The following is an entry in ClinVar:

NM_004360.5(CDH1):c.2076_2094delinsCG (p.Gly693fs)

Gene: CDH1 (cadherin 1; plus strand). Cytogenetic location: 16q22.1.
Variant type: Indel.
Coding change: c.2076_2094delinsCG on transcript NM_004360.5 (MANE Select); coding-DNA positions 2076 to 2094, TGGCGTCTGTAGGAAGGCA replaced by CG.
Protein change: p.Gly693fs; shifts the reading frame from glycine 693.
Molecular consequence: frameshift variant.
Genome position (GRCh38, 1-based): chr16:68,823,538-68,823,556, TGGCGTCTGTAGGAAGGCA replaced by CG. VCF-style: chr16-68823538-TGGCGTCTGTAGGAAGGCA-CG. GRCh37 (hg19) VCF-style: chr16-68857441-TGGCGTCTGTAGGAAGGCA-CG.
Other names: c.1893_1911delinsCG, p.Gly632fs (NM_001317184.2); c.528_546delinsCG, p.Gly177fs (NM_001317185.2); c.111_129delinsCG, p.Gly38fs (NM_001317186.2); short protein forms G177fs, G38fs, G632fs, G693fs.
Identifiers: ClinVar variation 3488674 (VCV003488674.1).

ClinVar aggregate classification (germline): Pathogenic (1 of 4 stars; one submission).

Conditions:
Hereditary cancer-predisposing syndrome. Also called: Tumor predisposition; Neoplastic Syndromes, Hereditary; Hereditary Cancer Syndrome; Hereditary neoplastic syndrome. Identifiers: Orphanet 140162, MedGen C0027672, MeSH D009386, MONDO:0015356.

Submission:

Ambry Genetics
Classification: Pathogenic for Hereditary cancer-predisposing syndrome. Last evaluated: 2024-11-22. Review status: criteria provided, single submitter. Criteria: Ambry Variant Classification Scheme 2023. Collection method: clinical testing. Allele origin: germline.
Comment: The c.2076_2094del19insCG pathogenic mutation, located in coding exon 13 of the CDH1 gene, results from the deletion of 19 nucleotides and insertion of two nucleotides causing a translational frameshift with a predicted alternate stop codon (p.G693Afs*49). This variant is considered to be rare based on population cohorts in the Genome Aggregation Database (gnomAD). This alteration is expected to result in loss of function by premature protein truncation or nonsense-mediated mRNA decay. As such, this alteration is interpreted as a disease-causing mutation.